The following is an entry in ClinVar:

ClinVar aggregate classification (germline): Uncertain significance (1 of 4 stars; one submission).

Allele frequency attached by ClinVar (database versions not stated): gnomAD exomes below 0.00001.
gnomAD v4.1: 1 of 1,551,698 alleles (0.000064%); highest among the groups gnomAD compares: Non-Finnish European, 0.000087%; no homozygotes.

Submission:

Labcorp Genetics (formerly Invitae), Labcorp
Classification: Uncertain significance. Last evaluated: 2021-07-07. Review status: criteria provided, single submitter. Criteria: Invitae Variant Classification Sherloc (09022015). Collection method: clinical testing. Allele origin: germline.
Comment: This sequence change replaces lysine with glutamic acid at codon 1524 of the UNC80 protein (p.Lys1524Glu). The lysine residue is weakly conserved and there is a small physicochemical difference between lysine and glutamic acid. This variant is not present in population databases (ExAC no frequency). This variant has not been reported in the literature in individuals with UNC80-related conditions. Algorithms developed to predict the effect of missense changes on protein structure and function are either unavailable or do not agree on the potential impact of this missense change (SIFT: "Not Available"; PolyPhen-2: "Probably Damaging"; Align-GVGD: "Not Available"). In summary, the available evidence is currently insufficient to determine the role of this variant in disease. Therefore, it has been classified as a Variant of Uncertain Significance.

NM_001371986.1(UNC80):c.4768A>G (p.Lys1590Glu)

Gene: UNC80 (unc-80 subunit of NALCN channel complex; plus strand). Cytogenetic location: 2q34.
Variant type: single nucleotide variant.
Coding change: c.4768A>G on transcript NM_001371986.1 (MANE Select); coding-DNA position 4768, A replaced by G.
Protein change: p.Lys1590Glu; replaces lysine 1590 with glutamic acid.
Molecular consequence: missense variant.
Genome position (GRCh38, 1-based): chr2:209,904,951, A>G. VCF-style: chr2-209904951-A-G. GRCh37 (hg19) VCF-style: chr2-210769675-A-G.
Other names: c.4570A>G, p.Lys1524Glu (NM_032504.2); c.4555A>G, p.Lys1519Glu (NM_182587.4); short protein forms K1590E, K1519E, K1524E.
Identifiers: ClinVar variation 1489926 (VCV001489926.6), dbSNP rs2124931080, ClinGen allele CA350755716.